The following is an entry in ClinVar:

NM_000214.3(JAG1):c.73_74del (p.Arg25fs)

Gene: JAG1 (jagged canonical Notch ligand 1; minus strand). Cytogenetic location: 20p12.2.
Variant type: Deletion.
Coding change: c.73_74del on transcript NM_000214.3 (MANE Select); coding-DNA positions 73 to 74, 2 bases deleted (CG; older notation c.73_74delCG).
Protein change: p.Arg25fs; shifts the reading frame from arginine 25.
Molecular consequence: frameshift variant.
Genome position (GRCh38, 1-based): chr20:10,673,457-10,673,458, CG deleted on the plus strand (CG on the coding strand, the reverse complement: JAG1 is on the minus strand); deleting any 2 consecutive bases within chr20:10,673,457-10,673,459 gives the same sequence; the c. name uses the placement nearest the transcript's 3' end. VCF-style (leftmost placement, unchanged base first): chr20-10673456-TCG-T. GRCh37 (hg19) VCF-style: chr20-10654104-TCG-T.
Other names: short protein forms R25fs.
Identifiers: ClinVar variation 865944 (VCV000865944.7), dbSNP rs2067513100, ClinGen allele CA916083742.
Genomic context (GRCh38, chr20:10,673,456, plus strand): 5'-CCGCGAGGGGAGGGAGAGGACGGCTGGGAGGGAGGCCCGGAGAAGGGCTCCTACCTTGGC[TCG>T]CAGGGCACAGAGCAGGGCGAGCAGGAGGCTTAGGGGGCGCCCGGACCGGCCGCGCGTCCG-3'

ClinVar aggregate classification (germline): Pathogenic/Likely pathogenic. Review status: criteria provided, multiple submitters, no conflicts (2 of 4 stars). 2 submissions from 2 submitters: Pathogenic (1); Likely pathogenic (1). Last evaluated 2022-06-18.

Conditions:
JAG1-related disorder. Also called: JAG1-related condition; JAG1-related disorders.
Alagille syndrome due to a JAG1 point mutation. Also called: HEPATIC DUCTULAR HYPOPLASIA, SYNDROMATIC; Alagille Syndrome 1; JAG1-Related Alagille Syndrome. Identifiers: Orphanet 261619, Orphanet 52, MedGen C1956125, MONDO:0016862, OMIM 118450.

Submissions (2):

Labcorp Genetics (formerly Invitae), Labcorp
Classification: Pathogenic for Alagille syndrome due to a JAG1 point mutation. Last evaluated: 2022-06-18. Review status: criteria provided, single submitter. Criteria: Invitae Variant Classification Sherloc (09022015). Collection method: clinical testing. Allele origin: germline.
Comment: This variant has not been reported in the literature in individuals affected with JAG1-related conditions. For these reasons, this variant has been classified as Pathogenic. ClinVar contains an entry for this variant (Variation ID: 865944). This variant is not present in population databases (gnomAD no frequency). This sequence change creates a premature translational stop signal (p.Arg25Serfs*47) in the JAG1 gene. It is expected to result in an absent or disrupted protein product. Loss-of-function variants in JAG1 are known to be pathogenic (PMID: 11180599).

Blueprint Genetics
Classification: Likely pathogenic for JAG1-related disorders. Last evaluated: 2019-05-24. Review status: criteria provided, single submitter. Criteria: ACMG Guidelines, 2015. Collection method: clinical testing. Allele origin: germline. Affected: yes. Observed: 1 variant allele.

Literature cited by the submitters: PubMed 11180599 (cited by Labcorp Genetics (formerly Invitae), Labcorp).